The following is an entry in ClinVar:

ClinVar aggregate classification (germline): Uncertain significance (1 of 4 stars; one submission).

Allele frequency attached by ClinVar (database versions not stated): TOPMed below 0.00001.
gnomAD v4.1: 1 of 1,613,852 alleles (0.000062%); highest among the groups gnomAD compares: Non-Finnish European, 0.000085%; no homozygotes.

Submission:

Labcorp Genetics (formerly Invitae), Labcorp
Classification: Uncertain significance. Last evaluated: 2021-06-22. Review status: criteria provided, single submitter. Criteria: Invitae Variant Classification Sherloc (09022015). Collection method: clinical testing. Allele origin: germline.
Comment: This sequence change replaces alanine with valine at codon 1451 of the COL11A2 protein (p.Ala1451Val). The alanine residue is highly conserved and there is a small physicochemical difference between alanine and valine. In summary, the available evidence is currently insufficient to determine the role of this variant in disease. Therefore, it has been classified as a Variant of Uncertain Significance. Advanced modeling of protein sequence and biophysical properties (such as structural, functional, and spatial information, amino acid conservation, physicochemical variation, residue mobility, and thermodynamic stability) performed at Invitae indicates that this missense variant is not expected to disrupt COL11A2 protein function. This variant has not been reported in the literature in individuals affected with COL11A2-related conditions. This variant is not present in population databases (ExAC no frequency).

NM_080680.3(COL11A2):c.4352C>T (p.Ala1451Val)

Gene: COL11A2 (collagen type XI alpha 2 chain; minus strand). Cytogenetic location: 6p21.32.
Variant type: single nucleotide variant.
Coding change: c.4352C>T on transcript NM_080680.3 (MANE Select); coding-DNA position 4352, C replaced by T.
Protein change: p.Ala1451Val; replaces alanine 1451 with valine.
Molecular consequence: missense variant.
Genome position (GRCh38, 1-based): chr6:33,166,553, G>A on the plus strand (C>T on the coding strand, the complement: COL11A2 is on the minus strand). VCF-style: chr6-33166553-G-A. GRCh37 (hg19) VCF-style: chr6-33134330-G-A.
Other names: c.4031C>T, p.Ala1344Val (NM_080679.3); c.4094C>T, p.Ala1365Val (NM_080681.3); short protein forms A1344V, A1451V, A1365V.
Identifiers: ClinVar variation 1475692 (VCV001475692.6), dbSNP rs1769174538, ClinGen allele CA363620223.